The following is an entry in ClinVar:

ClinVar aggregate classification (germline): Conflicting classifications of pathogenicity. Review status: criteria provided, conflicting classifications (1 of 4 stars). 7 submissions from 7 submitters: Uncertain significance (3); Likely benign (4). Last evaluated 2025-10-08.

Conditions:
Cardiovascular phenotype. Identifiers: MedGen CN230736.
Cardiomyopathy (CMYO). Also called: Cardiomyopathies. Identifiers: Orphanet 167848, MedGen C0878544, MONDO:0004994, HP:0001638. Inheritance: Various modes of inheritance.
Arrhythmogenic right ventricular dysplasia 9 (ARVD9). Also called: ARRHYTHMOGENIC RIGHT VENTRICULAR DYSPLASIA, FAMILIAL, 9; Arrhythmogenic Right Ventricular Dysplasia/Cardiomyopathy 9. Identifiers: MedGen C1836906, MONDO:0012180, OMIM 609040.

Allele frequency attached by ClinVar (database versions not stated): gnomAD below 0.00001 and 0.00002; TOPMed 0.00001; ExAC 0.00017; gnomAD exomes 0.00017 and 0.00006.
gnomAD v4.1: 94 of 1,613,246 alleles (0.0058%); highest among the groups gnomAD compares: South Asian, 0.093%; 1 homozygote.

Submissions (7):

Labcorp Genetics (formerly Invitae), Labcorp
Classification: Likely benign for Arrhythmogenic right ventricular dysplasia 9. Last evaluated: 2025-10-08. Review status: criteria provided, single submitter. Criteria: Invitae Variant Classification Sherloc (09022015). Collection method: clinical testing. Allele origin: germline.

Blueprint Genetics
Classification: Likely benign. Last evaluated: 2024-11-19. Review status: criteria provided, single submitter. Criteria: ACMG Guidelines, 2015. Collection method: clinical testing. Allele origin: germline.

GeneDx
Classification: Likely benign. Last evaluated: 2021-06-02. Review status: criteria provided, single submitter. Criteria: GeneDx Variant Classification Process June 2021. Collection method: clinical testing. Allele origin: germline. Affected: yes.
Comment: This variant is associated with the following publications: (PMID: 20716751)

Ambry Genetics
Classification: Uncertain significance for Cardiovascular phenotype. Last evaluated: 2021-05-17. Review status: criteria provided, single submitter. Criteria: Ambry Variant Classification Scheme 2023. Collection method: clinical testing. Allele origin: germline.
Comment: The p.H877Q variant (also known as c.2631C>A), located in coding exon 14 of the PKP2 gene, results from a C to A substitution at nucleotide position 2631. The histidine at codon 877 is replaced by glutamine, an amino acid with highly similar properties. This alteration has been reported in a dilated cardiomyopathy (DCM) cohort; however, this individual was also identified to have another alteration in a different cardiac-related gene (Elliott P et al. Circ Cardiovasc Genet, 2010 Aug;3:314-22). Additionally, this alteration has been reported as a secondary cardiac variant in an exome cohort with limited clinical details (Ng D et al. Circ Cardiovasc Genet, 2013 Aug;6:337-46). This amino acid position is well conserved in available vertebrate species. In addition, this alteration is predicted to be tolerated by in silico analysis. Since supporting evidence is limited at this time, the clinical significance of this alteration remains unclear.

Color Diagnostics, LLC DBA Color Health
Classification: Likely benign for Cardiomyopathy. Last evaluated: 2020-04-13. Review status: criteria provided, single submitter. Criteria: ACMG Guidelines, 2015. Collection method: clinical testing. Allele origin: germline.

Laboratory for Molecular Medicine, Mass General Brigham Personalized Medicine
Classification: Uncertain significance. Last evaluated: 2015-06-25. Review status: criteria provided, single submitter. Criteria: LMM Criteria. Collection method: clinical testing. Allele origin: germline. Observed: 1 variant allele.
Comment: Variant classified as Uncertain Significance - Favor Benign. The p.His877Gln var iant in PKP2 has been reported in 1 adult with DCM who also carried a likely pat hogenic splice variant in the DSP gene (Elliott 2010). This variant has also bee n identified in 0.1% (21/16512) of South Asian chromosomes including one homozyg ote by the Exome Aggregation Consortium (ExAC; d bSNP rs202094467). Computational prediction tools and conservation analysis do n ot provide strong support for or against an impact to the protein. In summary, while the clinical significance of the p.His877Gln variant is uncertain, its fre quency suggests that it is more likely to be benign.

Biesecker Lab/Clinical Genomics Section, National Institutes of Health
Classification: Uncertain significance. Last evaluated: 2013-06-24. Review status: criteria provided, single submitter. Criteria: Ng et al. (Circ Cardiovasc Genet. 2013). Collection method: research. Allele origin: unknown. Observed: 1 variant allele. Study: ClinSeq.
Comment: The study set was not selected for affection status in relation to any cancer. Pathogenicity categories were based on literature curation. See Pubmed ID:23861362 for details.

Medical sequencing

Literature cited by the submitters: PubMed 20716751 (cited by Ambry Genetics and Laboratory for Molecular Medicine, Mass General Brigham Personalized Medicine); PubMed 23861362 (cited by Ambry Genetics).

NM_001005242.3(PKP2):c.2499C>A (p.His833Gln)

Gene: PKP2 (plakophilin 2; minus strand). Cytogenetic location: 12p11.21.
Variant type: single nucleotide variant.
Coding change: c.2499C>A on transcript NM_001005242.3 (MANE Select); coding-DNA position 2499, C replaced by A.
Protein change: p.His833Gln; replaces histidine 833 with glutamine.
Molecular consequence: missense variant.
Genome position (GRCh38, 1-based): chr12:32,792,439, G>T on the plus strand (C>A on the coding strand, the complement: PKP2 is on the minus strand). VCF-style: chr12-32792439-G-T. GRCh37 (hg19) VCF-style: chr12-32945373-G-T.
Other names: c.2631C>A, p.His877Gln (NM_004572.4); short protein forms H877Q, H833Q.
Identifiers: ClinVar variation 191761 (VCV000191761.23), dbSNP rs202094467, ClinGen allele CA012221.